The following is an entry in ClinVar:

NM_032856.5(WDR73):c.1011G>T (p.Gly337=)

Gene: WDR73 (WD repeat domain 73; minus strand). Cytogenetic location: 15q25.2.
Variant type: single nucleotide variant.
Coding change: c.1011G>T on transcript NM_032856.5 (MANE Select); coding-DNA position 1011, G replaced by T.
Protein change: p.Gly337=; no amino-acid change (glycine 337 retained).
Molecular consequence: synonymous variant. On other transcripts: non-coding transcript variant (4).
Genome position (GRCh38, 1-based): chr15:84,643,596, C>A on the plus strand (G>T on the coding strand, the complement: WDR73 is on the minus strand). VCF-style: chr15-84643596-C-A. GRCh37 (hg19) VCF-style: chr15-85186827-C-A.
Identifiers: ClinVar variation 718589 (VCV000718589.12), dbSNP rs199676076, ClinGen allele CA7707161.
Genomic context (GRCh38, chr15:84,643,596, plus strand): 5'-CAAAGTCCTTGGTCTGCAGGGATGCCAGGTGTGGGTGGTGACCAAAGGAGCAGGGTCCAT[C>A]CCATTTCCATCTAGGAAGATGTGACCTCTGTGAGTGAAGAGAGGTTCTACTTGGCTCCGT-3'
Protein context (NP_116245.2, residues 327-347): HRGHIFLDGN[Gly337=]MDPAPLVTTH

ClinVar aggregate classification (germline): Benign. Review status: criteria provided, single submitter (1 of 4 stars). 2 submissions from 2 submitters: Benign (1). 1 of the submissions does not count toward it. Last evaluated 2025-12-26.

Conditions:
WDR73-related disorder. Also called: WDR73-related disorders; WDR73-related condition.

Allele frequency attached by ClinVar (database versions not stated): gnomAD exomes 0.00012 and 0.00032; 1000 Genomes Project 0.00040; ExAC 0.00045; 1000 Genomes Project 30x 0.00078; ESP Exome Variant Server 0.00079; gnomAD 0.00123 and 0.00133; TOPMed 0.00144.
gnomAD v4.1: 374 of 1,612,766 alleles (0.023%); highest among the groups gnomAD compares: African/African-American, 0.45%; 1 homozygote.

Submissions (2):

Labcorp Genetics (formerly Invitae), Labcorp
Classification: Benign. Last evaluated: 2025-12-26. Review status: criteria provided, single submitter. Criteria: Invitae Variant Classification Sherloc (09022015). Collection method: clinical testing. Allele origin: germline.

PreventionGenetics, part of Exact Sciences
Classification: Likely benign for WDR73-related condition. Last evaluated: 2020-11-13. Review status: no assertion criteria provided. Collection method: clinical testing. Allele origin: germline. Not counted in ClinVar's aggregate classification.
Comment: This variant is classified as likely benign based on ACMG/AMP sequence variant interpretation guidelines (Richards et al. 2015 PMID: 25741868, with internal and published modifications).